The following is an entry in ClinVar:

ClinVar aggregate classification (germline): Uncertain significance (1 of 4 stars; one submission).

Conditions:
Inborn genetic diseases. Identifiers: MedGen C0950123, MeSH D030342.

Submission:

Ambry Genetics
Classification: Uncertain significance for Inborn genetic diseases. Last evaluated: 2026-07-30. Review status: criteria provided, single submitter. Criteria: Ambry Variant Classification Scheme 2023. Collection method: clinical testing. Allele origin: germline.
Comment: The p.S277R variant (also known as c.831C>G), located in coding exon 2 of the GATA2 gene, results from a C to G substitution at nucleotide position 831. The serine at codon 277 is replaced by arginine, an amino acid with dissimilar properties. This amino acid position is well conserved in available vertebrate species. In addition, the in silico prediction for this alteration is inconclusive. Based on the available evidence, the clinical significance of this variant remains unclear.

NM_032638.5(GATA2):c.831C>G (p.Ser277Arg)

Gene: GATA2 (GATA binding protein 2; minus strand). Cytogenetic location: 3q21.3.
Variant type: single nucleotide variant.
Coding change: c.831C>G on transcript NM_032638.5 (MANE Select); coding-DNA position 831, C replaced by G.
Protein change: p.Ser277Arg; replaces serine 277 with arginine.
Molecular consequence: missense variant.
Genome position (GRCh38, 1-based): chr3:128,485,767, G>C on the plus strand (C>G on the coding strand, the complement: GATA2 is on the minus strand). VCF-style: chr3-128485767-G-C. GRCh37 (hg19) VCF-style: chr3-128204610-G-C.
Other names: c.831C>G, p.Ser277Arg (NM_001145661.2, NM_001145662.1); short protein forms S277R.
Identifiers: ClinVar variation 5022218 (VCV005022218.1).